The following is an entry in ClinVar:

ClinVar aggregate classification (germline): Uncertain significance. Review status: criteria provided, multiple submitters, no conflicts (2 of 4 stars). 2 submissions from 2 submitters: Uncertain significance (2). Last evaluated 2025-10-23.

Conditions:
Inborn genetic diseases. Identifiers: MedGen C0950123, MeSH D030342.
Hereditary spastic paraplegia 49 (HSAN9). Also called: TECPR2-Related Hereditary Sensory and Autonomic Neuropathy with Intellectual Disability; NEUROPATHY, HEREDITARY SENSORY AND AUTONOMIC, TYPE IX, WITH DEVELOPMENTAL DELAY; Spastic paraplegia 49, autosomal recessive. Identifiers: Orphanet 320385, MedGen C5190860, MONDO:0014016, OMIM 615031.

Allele frequency attached by ClinVar (database versions not stated): gnomAD exomes 0.00001; gnomAD 0.00003; TOPMed 0.00003; ExAC 0.00006; 1000 Genomes Project 30x 0.00016; 1000 Genomes Project 0.00020.
gnomAD v4.1: 23 of 1,613,576 alleles (0.0014%); highest among the groups gnomAD compares: East Asian, 0.033%; no homozygotes.

Submissions (2):

Ambry Genetics
Classification: Uncertain significance for Inborn genetic diseases. Last evaluated: 2025-10-23. Review status: criteria provided, single submitter. Criteria: Ambry Variant Classification Scheme 2023. Collection method: clinical testing. Allele origin: germline.

Labcorp Genetics (formerly Invitae), Labcorp
Classification: Uncertain significance for Hereditary spastic paraplegia 49. Last evaluated: 2022-04-16. Review status: criteria provided, single submitter. Criteria: Invitae Variant Classification Sherloc (09022015). Collection method: clinical testing. Allele origin: germline.
Comment: This sequence change replaces threonine, which is neutral and polar, with methionine, which is neutral and non-polar, at codon 769 of the TECPR2 protein (p.Thr769Met). This variant is present in population databases (rs546081583, gnomAD 0.05%). This variant has not been reported in the literature in individuals affected with TECPR2-related conditions. Algorithms developed to predict the effect of missense changes on protein structure and function are either unavailable or do not agree on the potential impact of this missense change (SIFT: "Deleterious"; PolyPhen-2: "Possibly Damaging"; Align-GVGD: "Class C0"). In summary, the available evidence is currently insufficient to determine the role of this variant in disease. Therefore, it has been classified as a Variant of Uncertain Significance.

NM_014844.5(TECPR2):c.2306C>T (p.Thr769Met)

Gene: TECPR2 (tectonin beta-propeller repeat containing 2; plus strand). Cytogenetic location: 14q32.31.
Variant type: single nucleotide variant.
Coding change: c.2306C>T on transcript NM_014844.5 (MANE Select); coding-DNA position 2306, C replaced by T.
Protein change: p.Thr769Met; replaces threonine 769 with methionine.
Molecular consequence: missense variant.
Genome position (GRCh38, 1-based): chr14:102,435,123, C>T. VCF-style: chr14-102435123-C-T. GRCh37 (hg19) VCF-style: chr14-102901460-C-T.
Other names: c.2306C>T, p.Thr769Met (NM_001172631.3); c.2306C>T (NM_014844.3); short protein forms T769M.
Identifiers: ClinVar variation 2067098 (VCV002067098.3), dbSNP rs546081583, ClinGen allele CA7357886.